The following is an entry in ClinVar:

ClinVar aggregate classification (germline): Uncertain significance. Review status: criteria provided, multiple submitters, no conflicts (2 of 4 stars). 4 submissions from 4 submitters: Uncertain significance (4). Last evaluated 2024-08-01.

Conditions:
Insulin-dependent diabetes mellitus secretory diarrhea syndrome (IPEX). Also called: X-Linked Autoimmunity-Allergic Dysregulation Syndrome; Immune dysregulation-polyendocrinopathy-enteropathy-X-linked syndrome; Immunodeficiency, Polyendocrinopathy, and Enteropathy X-Linked Syndrome; X-Linked Syndrome of Polyendocrinopathy, Immune Dysfunction, and Diarrhea; Immunodysregulation, polyendocrinopathy, and enteropathy, X-linked; IPEX and IPEX-Like. Identifiers: Orphanet 37042, MedGen C0342288, MONDO:0010580, OMIM 304790. Disease mechanism: loss of function.
Monogenic diabetes. Identifiers: Orphanet 183625, MedGen C3888631, MONDO:0015967.

Allele frequency attached by ClinVar (database versions not stated): gnomAD exomes below 0.00001; TOPMed below 0.00001.
gnomAD v4.1: 5 of 1,148,685 alleles (0.00044%); highest among the groups gnomAD compares: Non-Finnish European, 0.00046%; no homozygotes.

Submissions (4):

Labcorp Genetics (formerly Invitae), Labcorp
Classification: Uncertain significance for Insulin-dependent diabetes mellitus secretory diarrhea syndrome. Last evaluated: 2024-08-01. Review status: criteria provided, single submitter. Criteria: Invitae Variant Classification Sherloc (09022015). Collection method: clinical testing. Allele origin: germline.
Comment: This sequence change replaces alanine, which is neutral and non-polar, with threonine, which is neutral and polar, at codon 137 of the FOXP3 protein (p.Ala137Thr). This variant is not present in population databases (gnomAD no frequency). This variant has not been reported in the literature in individuals affected with FOXP3-related conditions. ClinVar contains an entry for this variant (Variation ID: 393445). Advanced modeling of protein sequence and biophysical properties (such as structural, functional, and spatial information, amino acid conservation, physicochemical variation, residue mobility, and thermodynamic stability) performed at Invitae indicates that this missense variant is not expected to disrupt FOXP3 protein function with a negative predictive value of 80%. In summary, the available evidence is currently insufficient to determine the role of this variant in disease. Therefore, it has been classified as a Variant of Uncertain Significance.

Fulgent Genetics
Classification: Uncertain significance for Insulin-dependent diabetes mellitus secretory diarrhea syndrome. Last evaluated: 2024-06-18. Review status: criteria provided, single submitter. Criteria: ACMG Guidelines, 2015. Collection method: clinical testing. Allele origin: germline.

CeGaT Center for Human Genetics Tuebingen
Classification: Uncertain significance. Last evaluated: 2024-02-01. Review status: criteria provided, single submitter. Criteria: CeGaT Center For Human Genetics Tuebingen Variant Classification Criteria Version 2. Collection method: clinical testing. Allele origin: germline. Affected: yes. Observed: 1 variant allele.
Comment: FOXP3: PM2:Supporting

Personalized Diabetes Medicine Program, University of Maryland School of Medicine
Classification: Uncertain significance for Monogenic diabetes. Last evaluated: 2015-11-20. Review status: criteria provided, single submitter. Criteria: ACMG Guidelines, 2015. Collection method: research. Allele origin: unknown. Observed: 1 variant allele, 1 heterozygote.
Comment: ACMG Criteria: PM2, PP3, BP4

NM_014009.4(FOXP3):c.409G>A (p.Ala137Thr)

Gene: FOXP3 (forkhead box P3; minus strand). Cytogenetic location: Xp11.23.
Variant type: single nucleotide variant.
Coding change: c.409G>A on transcript NM_014009.4 (MANE Select); coding-DNA position 409, G replaced by A.
Protein change: p.Ala137Thr; replaces alanine 137 with threonine.
Molecular consequence: missense variant.
Genome position (GRCh38, 1-based): chrX:49,257,472, C>T on the plus strand (G>A on the coding strand, the complement: FOXP3 is on the minus strand). VCF-style: chrX-49257472-C-T. GRCh37 (hg19) VCF-style: chrX-49113929-C-T.
Other names: c.304G>A, p.Ala102Thr (NM_001114377.2); short protein forms A137T, A102T.
Identifiers: ClinVar variation 393445 (VCV000393445.31), dbSNP rs1057524899, ClinGen allele CA16609262.